The following is an entry in ClinVar:

ClinVar aggregate classification (germline): Uncertain significance (1 of 4 stars; one submission).

Submission:

Labcorp Genetics (formerly Invitae), Labcorp
Classification: Uncertain significance. Last evaluated: 2022-10-01. Review status: criteria provided, single submitter. Criteria: Invitae Variant Classification Sherloc (09022015). Collection method: clinical testing. Allele origin: germline.
Comment: In summary, the available evidence is currently insufficient to determine the role of this variant in disease. Therefore, it has been classified as a Variant of Uncertain Significance. Experimental studies and prediction algorithms are not available or were not evaluated, and the functional significance of this variant is currently unknown. This variant has not been reported in the literature in individuals affected with GUF1-related conditions. This variant is not present in population databases (gnomAD no frequency). This variant, c.537_539del, results in the deletion of 1 amino acid(s) of the GUF1 protein (p.Phe180del), but otherwise preserves the integrity of the reading frame.

NM_021927.3(GUF1):c.534CTT[1] (p.Phe180del)

Gene: GUF1 (GTP binding elongation factor GUF1; plus strand). Cytogenetic location: 4p12.
Variant type: Microsatellite.
Coding change: c.534CTT[1] on transcript NM_021927.3 (MANE Select); one copy of the 3-base unit CTT starting at c.534; the reference has two copies in a row; one copy, 3 bases deleted.
Protein change: p.Phe180del; deletes phenylalanine 180.
Molecular consequence: inframe deletion. On other transcripts: 5 prime UTR variant (2).
Genome position (GRCh38, 1-based): chr4:44,682,363-44,682,365, CTT deleted; deleting any 3 consecutive bases within chr4:44,682,360-44,682,365 gives the same sequence; the position shown is the placement nearest the transcript's 3' end. VCF-style (leftmost placement, unchanged base first): chr4-44682359-ACTT-A. GRCh37 (hg19) VCF-style: chr4-44684376-ACTT-A.
Other names: c.-435CTT[1] (NM_001345867.2); c.534CTT[1], p.Phe180del (NM_001345868.2); c.-439CTT[1] (NM_001345869.2); short protein forms F180del.
Identifiers: ClinVar variation 1952063 (VCV001952063.5), dbSNP rs2545492120, ClinGen allele CA2580616095.